The following is an entry in ClinVar:

ClinVar aggregate classification (germline): Uncertain significance (1 of 4 stars; one submission).

Conditions:
Hereditary pulmonary alveolar proteinosis. Also called: Pulmonary surfactant metabolism dysfunction. Identifiers: Orphanet 264675, MedGen C3711368, MONDO:0012580.

gnomAD v4.1: 2 of 1,614,006 alleles (0.00012%); highest among the groups gnomAD compares: Non-Finnish European, 0.00017%; no homozygotes.

Submission:

Ambry Genetics
Classification: Uncertain significance for Hereditary pulmonary alveolar proteinosis. Last evaluated: 2024-04-25. Review status: criteria provided, single submitter. Criteria: Ambry Variant Classification Scheme 2023. Collection method: clinical testing. Allele origin: germline.
Comment: The p.H226L variant (also known as c.677A>T), located in coding exon 5 of the ABCA3 gene, results from an A to T substitution at nucleotide position 677. The histidine at codon 226 is replaced by leucine, an amino acid with similar properties. This amino acid position is conserved. In addition, the in silico prediction for this alteration is inconclusive. Based on the available evidence, the clinical significance of this variant remains unclear.

NM_001089.3(ABCA3):c.677A>T (p.His226Leu)

Gene: ABCA3 (ATP binding cassette subfamily A member 3; minus strand). Cytogenetic location: 16p13.3.
Variant type: single nucleotide variant.
Coding change: c.677A>T on transcript NM_001089.3 (MANE Select); coding-DNA position 677, A replaced by T.
Protein change: p.His226Leu; replaces histidine 226 with leucine.
Molecular consequence: missense variant.
Genome position (GRCh38, 1-based): chr16:2,319,777, T>A on the plus strand (A>T on the coding strand, the complement: ABCA3 is on the minus strand). VCF-style: chr16-2319777-T-A. GRCh37 (hg19) VCF-style: chr16-2369778-T-A.
Other names: short protein forms H226L.
Identifiers: ClinVar variation 3279831 (VCV003279831.1).